The following is an entry in ClinVar:

NM_002907.4(RECQL):c.1355+30T>C

Gene: RECQL (RecQ like helicase; minus strand). Cytogenetic location: 12p12.1.
Variant type: single nucleotide variant.
Coding change: c.1355+30T>C on transcript NM_002907.4 (MANE Select); 30 bases into the intron after coding-DNA position 1355, T replaced by C.
Molecular consequence: intron variant.
Genome position (GRCh38, 1-based): chr12:21,474,811, A>G on the plus strand (T>C on the coding strand, the complement: RECQL is on the minus strand). VCF-style: chr12-21474811-A-G. GRCh37 (hg19) VCF-style: chr12-21627745-A-G.
Other names: c.1355+30T>C (NM_032941.3).
Identifiers: ClinVar variation 679689 (VCV000679689.2), dbSNP rs2159943, ClinGen allele CA6478783.

ClinVar aggregate classification (germline): Benign. Review status: criteria provided, multiple submitters, no conflicts (2 of 4 stars). 2 submissions from 2 submitters: Benign (2). Last evaluated 2018-06-18.

Allele frequency attached by ClinVar (database versions not stated): ESP Exome Variant Server 0.33779; TOPMed 0.33790; gnomAD 0.34396 and 0.35398; 1000 Genomes Project 30x 0.35525; 1000 Genomes Project 0.36322; ExAC 0.42791; gnomAD exomes 0.43534 and 0.44342.
gnomAD v4.1: 693,340 of 1,598,170 alleles (43%); highest among the groups gnomAD compares: South Asian, 51%; 155,392 homozygotes.

Submissions (2):

GeneDx
Classification: Benign. Last evaluated: 2018-06-18. Review status: criteria provided, single submitter. Criteria: GeneDx Variant Classification (06012015). Collection method: clinical testing. Allele origin: germline. Affected: yes.
Comment: This variant is considered likely benign or benign based on one or more of the following criteria: it is a conservative change, it occurs at a poorly conserved position in the protein, it is predicted to be benign by multiple in silico algorithms, and/or has population frequency not consistent with disease.

Breakthrough Genomics
Classification: Benign. Review status: criteria provided, single submitter. Criteria: ACMG Guidelines, 2015. Collection method: not provided. Allele origin: germline. Inheritance: Unknown mechanism. Affected: yes.